The following is an entry in ClinVar:

NM_001031710.3(KLHL7):c.664C>T (p.Arg222Cys)

Gene: KLHL7 (kelch like family member 7; plus strand). Cytogenetic location: 7p15.3.
Variant type: single nucleotide variant.
Coding change: c.664C>T on transcript NM_001031710.3 (MANE Select); coding-DNA position 664, C replaced by T.
Protein change: p.Arg222Cys; replaces arginine 222 with cysteine.
Molecular consequence: missense variant. On other transcripts: non-coding transcript variant (1).
Genome position (GRCh38, 1-based): chr7:23,143,896, C>T. VCF-style: chr7-23143896-C-T. GRCh37 (hg19) VCF-style: chr7-23183515-C-T.
Other names: c.520C>T, p.Arg174Cys (NM_018846.5); short protein forms R174C, R222C.
Identifiers: ClinVar variation 4623039 (VCV004623039.3).

ClinVar aggregate classification (germline): Uncertain significance. Review status: criteria provided, multiple submitters, no conflicts (2 of 4 stars). 3 submissions from 3 submitters: Uncertain significance (3). Last evaluated 2025-11-27.

Conditions:
Inborn genetic diseases. Identifiers: MedGen C0950123, MeSH D030342.

gnomAD v4.1: 12 of 1,614,112 alleles (0.00074%); highest among the groups gnomAD compares: South Asian, 0.0011%; no homozygotes.

Submissions (3):

Labcorp Genetics (formerly Invitae), Labcorp
Classification: Uncertain significance. Last evaluated: 2025-11-27. Review status: criteria provided, single submitter. Criteria: Invitae Variant Classification Sherloc (09022015). Collection method: clinical testing. Allele origin: germline.
Comment: This sequence change replaces arginine, which is basic and polar, with cysteine, which is neutral and slightly polar, at codon 222 of the KLHL7 protein (p.Arg222Cys). This variant is present in population databases (rs748221520, gnomAD 0.003%). This variant has not been reported in the literature in individuals affected with KLHL7-related conditions. An algorithm developed to predict the effect of missense changes on protein structure and function (PolyPhen-2) suggests that this variant is likely to be disruptive. In summary, the available evidence is currently insufficient to determine the role of this variant in disease. Therefore, it has been classified as a Variant of Uncertain Significance.

Ambry Genetics
Classification: Uncertain significance for Inborn genetic diseases. Last evaluated: 2025-11-12. Review status: criteria provided, single submitter. Criteria: Ambry Variant Classification Scheme 2023. Collection method: clinical testing. Allele origin: germline.
Comment: The c.664C>T (p.R222C) alteration is located in exon 6 (coding exon 6) of the KLHL7 gene. This alteration results from a C to T substitution at nucleotide position 664, causing the arginine (R) at amino acid position 222 to be replaced by a cysteine (C). Based on data from gnomAD, the T allele has an overall frequency of 0.001% (3/251418) total alleles studied. The highest observed frequency was 0.003% (3/113704) of European (non-Finnish) alleles. Based on insufficient or conflicting evidence, the clinical significance of this alteration remains unclear.

Blueprint Genetics
Classification: Uncertain significance. Last evaluated: 2022-11-02. Review status: criteria provided, single submitter. Criteria: ACMG Guidelines, 2015. Collection method: clinical testing. Allele origin: germline.